The following is an entry in ClinVar:

ClinVar aggregate classification (germline): Uncertain significance (1 of 4 stars; one submission).

Submission:

Labcorp Genetics (formerly Invitae), Labcorp
Classification: Uncertain significance. Last evaluated: 2023-11-21. Review status: criteria provided, single submitter. Criteria: Invitae Variant Classification Sherloc (09022015). Collection method: clinical testing. Allele origin: germline.
Comment: This sequence change falls in intron 11 of the NFKB1 gene. It does not directly change the encoded amino acid sequence of the NFKB1 protein. It affects a nucleotide within the consensus splice site. This variant is not present in population databases (gnomAD no frequency). This variant has not been reported in the literature in individuals affected with NFKB1-related conditions. Variants that disrupt the consensus splice site are a relatively common cause of aberrant splicing (PMID: 17576681, 9536098). Algorithms developed to predict the effect of sequence changes on RNA splicing suggest that this variant is not likely to affect RNA splicing. In summary, the available evidence is currently insufficient to determine the role of this variant in disease. Therefore, it has been classified as a Variant of Uncertain Significance.

Literature cited by the submitters: PubMed 17576681; PubMed 9536098.

NM_003998.4(NFKB1):c.1066+6T>C

Gene: NFKB1 (nuclear factor kappa B subunit 1; plus strand). Cytogenetic location: 4q24.
Variant type: single nucleotide variant.
Coding change: c.1066+6T>C on transcript NM_003998.4 (MANE Select); 6 bases into the intron after coding-DNA position 1066, T replaced by C.
Molecular consequence: intron variant.
Genome position (GRCh38, 1-based): chr4:102,584,826, T>C. VCF-style: chr4-102584826-T-C. GRCh37 (hg19) VCF-style: chr4-103505983-T-C.
Other names: c.1066+6T>C (NM_001382626.1, NM_001382625.1); c.1063+6T>C (NM_001382627.1, NM_001165412.2, NM_001319226.2); c.1024+6T>C (NM_001382628.1).
Identifiers: ClinVar variation 2697989 (VCV002697989.3), dbSNP rs2476447832, ClinGen allele CA2697546858.